The following is an entry in ClinVar:

ClinVar aggregate classification (germline): Likely benign (1 of 4 stars; one submission).

Allele frequency attached by ClinVar (database versions not stated): 1000 Genomes Project 0.00060; 1000 Genomes Project 30x 0.00062; gnomAD 0.00145 and 0.00152; gnomAD exomes 0.00161; TOPMed 0.00165; ExAC 0.00181; ESP Exome Variant Server 0.00200.

Submission:

CeGaT Center for Human Genetics Tuebingen
Classification: Likely benign. Last evaluated: 2025-02-01. Review status: criteria provided, single submitter. Criteria: CeGaT Center For Human Genetics Tuebingen Variant Classification Criteria Version 2. Collection method: clinical testing. Allele origin: germline. Affected: yes. Observed: 3 variant alleles.
Comment: TMEM222: BP4, BP7

NM_032125.3(TMEM222):c.594C>T (p.Ile198=)

Gene: TMEM222 (transmembrane protein 222; plus strand). Cytogenetic location: 1p36.11.
Variant type: single nucleotide variant.
Coding change: c.594C>T on transcript NM_032125.3 (MANE Select); coding-DNA position 594, C replaced by T.
Protein change: p.Ile198=; no amino-acid change (isoleucine 198 retained).
Molecular consequence: synonymous variant. On other transcripts: non-coding transcript variant (3).
Genome position (GRCh38, 1-based): chr1:27,335,433, C>T. VCF-style: chr1-27335433-C-T. GRCh37 (hg19) VCF-style: chr1-27661924-C-T.
Identifiers: ClinVar variation 1675354 (VCV001675354.33), dbSNP rs114015897, ClinGen allele CA712269.